The following is an entry in ClinVar:

NM_033004.4(NLRP1):c.1889T>C (p.Phe630Ser)

Gene: NLRP1 (NLR family pyrin domain containing 1; minus strand). Cytogenetic location: 17p13.2.
Variant type: single nucleotide variant.
Coding change: c.1889T>C on transcript NM_033004.4 (MANE Select); coding-DNA position 1889, T replaced by C.
Protein change: p.Phe630Ser; replaces phenylalanine 630 with serine.
Molecular consequence: missense variant.
Genome position (GRCh38, 1-based): chr17:5,558,807, A>G on the plus strand (T>C on the coding strand, the complement: NLRP1 is on the minus strand). VCF-style: chr17-5558807-A-G. GRCh37 (hg19) VCF-style: chr17-5462127-A-G.
Other names: c.1889T>C, p.Phe630Ser (NM_001033053.3, NM_014922.5, NM_033006.4 and 1 more transcripts); short protein forms F630S.
Identifiers: ClinVar variation 1490684 (VCV001490684.9), dbSNP rs201519972, ClinGen allele CA287268090.
Genomic context (GRCh38, chr17:5,558,807, plus strand): 5'-ATGCAATTAGAATGTTTACCTCTCCCCTTCTCATCCTCCAAGACATAGGACATTGCTGCA[A>G]AGAACTCTTGGAAACAGAGGTGAATGAAGCTGTAGCTCAGAGGGATGGGGTGCTCTTGAA-3'
Protein context (NP_127497.1, residues 620-640): SFIHLCFQEF[Phe630Ser]AAMSYVLEDE

ClinVar aggregate classification (germline): Uncertain significance. Review status: criteria provided, multiple submitters, no conflicts (2 of 4 stars). 2 submissions from 2 submitters: Uncertain significance (2). Last evaluated 2023-10-05.

gnomAD v4.1: 3 of 1,614,216 alleles (0.00019%); highest among the groups gnomAD compares: Non-Finnish European, 0.00025%; no homozygotes.

Submissions (2):

Labcorp Genetics (formerly Invitae), Labcorp
Classification: Uncertain significance. Last evaluated: 2023-10-05. Review status: criteria provided, single submitter. Criteria: Invitae Variant Classification Sherloc (09022015). Collection method: clinical testing. Allele origin: germline.
Comment: This sequence change replaces phenylalanine, which is neutral and non-polar, with serine, which is neutral and polar, at codon 630 of the NLRP1 protein (p.Phe630Ser). This variant is not present in population databases (gnomAD no frequency). This variant has not been reported in the literature in individuals affected with NLRP1-related conditions. ClinVar contains an entry for this variant (Variation ID: 1490684). An algorithm developed to predict the effect of missense changes on protein structure and function (PolyPhen-2) suggests that this variant is likely to be disruptive. In summary, the available evidence is currently insufficient to determine the role of this variant in disease. Therefore, it has been classified as a Variant of Uncertain Significance.

Breakthrough Genomics
Classification: Uncertain significance. Review status: criteria provided, single submitter. Criteria: ACMG Guidelines, 2015. Collection method: not provided. Allele origin: germline. Inheritance: Autosomal recessive inheritance. Affected: yes.